The following is an entry in ClinVar:

NM_002532.6(NUP88):c.467+5G>A

Gene: NUP88 (nucleoporin 88; minus strand). Cytogenetic location: 17p13.2.
Variant type: single nucleotide variant.
Coding change: c.467+5G>A on transcript NM_002532.6 (MANE Select); 5 bases into the intron after coding-DNA position 467, G replaced by A.
Molecular consequence: intron variant.
Genome position (GRCh38, 1-based): chr17:5,416,508, C>T on the plus strand (G>A on the coding strand, the complement: NUP88 is on the minus strand). VCF-style: chr17-5416508-C-T. GRCh37 (hg19) VCF-style: chr17-5319828-C-T.
Other names: c.467+5G>A (NM_001320653.2).
Identifiers: ClinVar variation 5005777 (VCV005005777.2).

ClinVar aggregate classification (germline): Uncertain significance (1 of 4 stars; one submission).

Conditions:
Fetal akinesia deformation sequence 4. Identifiers: MedGen C4760578, MONDO:0100104, OMIM 618393.

Submission:

Juno Genomics, Hangzhou Juno Genomics, Inc
Classification: Uncertain significance for Fetal akinesia deformation sequence 4. Review status: criteria provided, single submitter. Criteria: ACMG Guidelines, 2015. Collection method: clinical testing. Allele origin: germline.
Comment: Absent from controls (or at extremely low frequency if recessive) in Genome Aggregation Database.;Multiple lines of computational evidence support a deleterious effect on the gene or gene product.